The following is an entry in ClinVar:

ClinVar aggregate classification (germline): Likely benign (1 of 4 stars; one submission).

Submission:

CeGaT Center for Human Genetics Tuebingen
Classification: Likely benign. Last evaluated: 2022-05-01. Review status: criteria provided, single submitter. Criteria: CeGaT Center For Human Genetics Tuebingen Variant Classification Criteria Version 2. Collection method: clinical testing. Allele origin: germline. Affected: yes. Observed: 1 variant allele.
Comment: RBM28: PM2:Supporting, BP4, BP7

NM_018077.3(RBM28):c.2088G>A (p.Lys696=)

Gene: RBM28 (RNA binding motif protein 28; minus strand). Cytogenetic location: 7q32.1.
Variant type: single nucleotide variant.
Coding change: c.2088G>A on transcript NM_018077.3 (MANE Select); coding-DNA position 2088, G replaced by A.
Protein change: p.Lys696=; no amino-acid change (lysine 696 retained).
Molecular consequence: synonymous variant.
Genome position (GRCh38, 1-based): chr7:128,313,232, C>T on the plus strand (G>A on the coding strand, the complement: RBM28 is on the minus strand). VCF-style: chr7-128313232-C-T. GRCh37 (hg19) VCF-style: chr7-127953285-C-T.
Other names: c.1665G>A, p.Lys555= (NM_001166135.2).
Identifiers: ClinVar variation 2657983 (VCV002657983.24), dbSNP rs2535565090, ClinGen allele CA457723186.